The following is an entry in ClinVar:

ClinVar aggregate classification (germline): Uncertain significance (1 of 4 stars; one submission).

Conditions:
Dilated cardiomyopathy 1O (CMD1O). Also called: CARDIOMYOPATHY, DILATED, WITH VENTRICULAR TACHYCARDIA. Identifiers: Orphanet 154, MedGen C1837839, MONDO:0012062, OMIM 608569.

Allele frequency attached by ClinVar (database versions not stated): ExAC 0.00001; gnomAD exomes 0.00001; ESP Exome Variant Server 0.00008.
gnomAD v4.1: 8 of 1,613,812 alleles (0.0005%); highest among the groups gnomAD compares: Non-Finnish European, 0.00068%; no homozygotes.

Submission:

Labcorp Genetics (formerly Invitae), Labcorp
Classification: Uncertain significance for Dilated cardiomyopathy 1O. Last evaluated: 2023-04-09. Review status: criteria provided, single submitter. Criteria: Invitae Variant Classification Sherloc (09022015). Collection method: clinical testing. Allele origin: germline.
Comment: In summary, the available evidence is currently insufficient to determine the role of this variant in disease. Therefore, it has been classified as a Variant of Uncertain Significance. Advanced modeling of protein sequence and biophysical properties (such as structural, functional, and spatial information, amino acid conservation, physicochemical variation, residue mobility, and thermodynamic stability) performed at Invitae indicates that this missense variant is not expected to disrupt ABCC9 protein function. ClinVar contains an entry for this variant (Variation ID: 1935406). This variant has not been reported in the literature in individuals affected with ABCC9-related conditions. This variant is present in population databases (rs144158922, gnomAD 0.0009%). This sequence change replaces serine, which is neutral and polar, with asparagine, which is neutral and polar, at codon 889 of the ABCC9 protein (p.Ser889Asn).

NM_020297.4(ABCC9):c.2666G>A (p.Ser889Asn)

Gene: ABCC9 (ATP binding cassette subfamily C member 9; minus strand). Cytogenetic location: 12p12.1.
Variant type: single nucleotide variant.
Coding change: c.2666G>A on transcript NM_020297.4 (MANE Select); coding-DNA position 2666, G replaced by A.
Protein change: p.Ser889Asn; replaces serine 889 with asparagine.
Molecular consequence: missense variant.
Genome position (GRCh38, 1-based): chr12:21,852,200, C>T on the plus strand (G>A on the coding strand, the complement: ABCC9 is on the minus strand). VCF-style: chr12-21852200-C-T. GRCh37 (hg19) VCF-style: chr12-22005134-C-T.
Other names: c.2666G>A, p.Ser889Asn (NM_001377273.1, NM_005691.4); c.1799G>A, p.Ser600Asn (NM_001377274.1); short protein forms S889N, S600N.
Identifiers: ClinVar variation 1935406 (VCV001935406.5), dbSNP rs144158922, ClinGen allele CA6481302.
Genomic context (GRCh38, chr12:21,852,200, plus strand): 5'-TGTTCATAAAGCTCAACATCTTTGGTTTGAATGTCCTTCAAAGTTCCTTCTCTTAGGACA[C>T]TTCCATCTTTCATGGCTATGATCTAAGGAAAGCGGATATTCCCAGAAATGTGACGAAAAG-3'
Protein context (NP_064693.2, residues 879-899): ADWIIAMKDG[Ser889Asn]VLREGTLKDI